The following is an entry in ClinVar:

NM_000135.4(FANCA):c.1954C>G (p.Gln652Glu)

Gene: FANCA (FA complementation group A; minus strand). Cytogenetic location: 16q24.3.
Variant type: single nucleotide variant.
Coding change: c.1954C>G on transcript NM_000135.4 (MANE Select); coding-DNA position 1954, C replaced by G.
Protein change: p.Gln652Glu; replaces glutamine 652 with glutamic acid.
Molecular consequence: missense variant.
Genome position (GRCh38, 1-based): chr16:89,773,331, G>C on the plus strand (C>G on the coding strand, the complement: FANCA is on the minus strand). VCF-style: chr16-89773331-G-C. GRCh37 (hg19) VCF-style: chr16-89839739-G-C.
Other names: c.1954C>G, p.Gln652Glu (NM_001286167.3); short protein forms Q652E.
Identifiers: ClinVar variation 4022296 (VCV004022296.1).

ClinVar aggregate classification (germline): Uncertain significance (1 of 4 stars; one submission).

Conditions:
Inborn genetic diseases. Identifiers: MedGen C0950123, MeSH D030342.

Submission:

Ambry Genetics
Classification: Uncertain significance for Inborn genetic diseases. Last evaluated: 2025-05-21. Review status: criteria provided, single submitter. Criteria: Ambry Variant Classification Scheme 2023. Collection method: clinical testing. Allele origin: germline.
Comment: The p.Q652E variant (also known as c.1954C>G), located in coding exon 22 of the FANCA gene, results from a C to G substitution at nucleotide position 1954. The glutamine at codon 652 is replaced by glutamic acid, an amino acid with highly similar properties. This amino acid position is conserved. In addition, this alteration is predicted to be tolerated by in silico analysis. Based on the available evidence, the clinical significance of this variant remains unclear.